The following is an entry in ClinVar:

ClinVar aggregate classification (germline): Conflicting classifications of pathogenicity. Review status: criteria provided, conflicting classifications (1 of 4 stars). 5 submissions from 5 submitters: Likely pathogenic (1); Uncertain significance (3). 1 of the submissions does not count toward it. Last evaluated 2026-06-23.

Conditions:
LOXHD1-related disorder. Also called: LOXHD1-related condition.
Autosomal recessive nonsyndromic hearing loss 77. Identifiers: Orphanet 90636, MedGen C2746083, MONDO:0013119, OMIM 613079.

Allele frequency attached by ClinVar (database versions not stated): gnomAD exomes 0.00002 and 0.00007; TOPMed 0.00002; gnomAD 0.00003.
gnomAD v4.1: 107 of 1,548,014 alleles (0.0069%); highest among the groups gnomAD compares: Non-Finnish European, 0.0085%; no homozygotes.

Submissions (5):

Myriad Genetics, Inc.
Classification: Uncertain significance for Autosomal recessive nonsyndromic hearing loss 77. Last evaluated: 2026-06-23. Review status: criteria provided, single submitter. Criteria: Myriad Autosomal Dominant, Autosomal Recessive and X-Linked Classification Criteria (2023). Collection method: clinical testing. Allele origin: unknown.
Comment: NM_144612.6(LOXHD1):c.4212+5G>A is an intronic variant classified as a variant of uncertain significance in the context of nonsyndromic hearing loss, LOXHD1-related. c.4212+5G>A has been observed in cases with relevant disease (PMID: 33892339, 35711932). Relevant functional assessments of this variant are available in the literature (PMID: Fang_2022_(Abstract)). c.4212+5G>A has been observed in referenced population frequency databases. In summary, there is insufficient evidence to classify NM_144612.6(LOXHD1):c.4212+5G>A as pathogenic or benign. Please note: this variant was assessed in the context of healthy population screening.

Labcorp Genetics (formerly Invitae), Labcorp
Classification: Likely pathogenic. Last evaluated: 2026-01-31. Review status: criteria provided, single submitter. Criteria: Invitae Variant Classification Sherloc (09022015). Collection method: clinical testing. Allele origin: germline.
Comment: This sequence change falls in intron 27 of the LOXHD1 gene. It does not directly change the encoded amino acid sequence of the LOXHD1 protein. It affects a nucleotide within the consensus splice site. This variant is present in population databases (rs752553552, gnomAD 0.007%). This variant has been observed in individual(s) with non-syndromic deafness (PMID: 33892339, 35711932). In at least one individual the data is consistent with being in trans (on the opposite chromosome) from a pathogenic variant. This variant is also known as c.879+5G>A. ClinVar contains an entry for this variant (Variation ID: 982253). Variants that disrupt the consensus splice site are a relatively common cause of aberrant splicing (PMID: 17576681, 9536098). Algorithms developed to predict the effect of sequence changes on RNA splicing suggest that this variant may disrupt the consensus splice site. In summary, the currently available evidence indicates that the variant is pathogenic, but additional data are needed to prove that conclusively. Therefore, this variant has been classified as Likely Pathogenic.

PreventionGenetics, part of Exact Sciences
Classification: Uncertain significance for LOXHD1-related condition. Last evaluated: 2026-01-21. Review status: criteria provided, single submitter. Criteria: ACMG Guidelines, 2015. Collection method: clinical testing. Allele origin: germline.
Comment: The LOXHD1 c.4212+5G>A variant is predicted to interfere with splicing. This variant is predicted to alter splicing based on available splicing prediction software (SpliceAI, Jaganathan et al. 2019. PubMed ID: 30661751). This variant was reported along with a second LOXHD1 variant in an individual with hearing loss (Table 1, Yu et al. 2021. PubMed ID: 33892339), and was also reported in a hearing loss cohort without information about presence or absence of a second variant (Table 1, Wang et al. 2022. PubMed ID: 35711932). This variant is reported in 0.0066% of alleles in individuals of European (Non-Finnish) descent in gnomAD. Although we suspect that this variant may be pathogenic, at this time, the clinical significance of this variant is uncertain due to the absence of conclusive functional and genetic evidence.

Women's Health and Genetics/Laboratory Corporation of America, LabCorp
Classification: Uncertain significance. Last evaluated: 2025-06-06. Review status: criteria provided, single submitter. Criteria: LabCorp Variant Classification Summary - May 2015. Collection method: clinical testing. Allele origin: germline.
Comment: Variant summary: LOXHD1 c.4212+5G>A alters a nucleotide located close to a canonical splice site and therefore could affect mRNA splicing, leading to a significantly altered protein sequence. Several computational tools predict a significant impact on normal splicing: Four predict the variant abolishes a 5 splicing donor site. However, these predictions have yet to be confirmed by functional studies. The variant allele was found at a frequency of 1.9e-05 in 158196 control chromosomes. c.4212+5G>A has been observed in individual(s) affected with Nonsyndromic Hearing Loss And Deafness (e.g., Wang_2022, Yu_2021). These data indicate that the variant may be associated with disease. To our knowledge, no experimental evidence demonstrating an impact on protein function has been reported. The following publications have been ascertained in the context of this evaluation (PMID: 35711932, 33892339). ClinVar contains an entry for this variant (Variation ID: 982253). Based on the evidence outlined above, the variant was classified as VUS-possibly pathogenic.

Center for Molecular Medicine, Children’s Hospital of Fudan University
Classification: Likely pathogenic for Autosomal recessive nonsyndromic hearing loss 77. Last evaluated: 2020-09-30. Review status: no assertion criteria provided. Collection method: clinical testing. Allele origin: maternal. Affected: yes. Not counted in ClinVar's aggregate classification.

Literature cited by the submitters: PubMed 33892339 (cited by 3 submitters); PubMed 35711932 (cited by 3 submitters); PubMed 17576681 (cited by Labcorp Genetics (formerly Invitae), Labcorp); PubMed 9536098 (cited by Labcorp Genetics (formerly Invitae), Labcorp).

NM_001384474.1(LOXHD1):c.4212+5G>A

Gene: LOXHD1 (lipoxygenase homology PLAT domains 1; minus strand). Cytogenetic location: 18q21.1.
Variant type: single nucleotide variant.
Coding change: c.4212+5G>A on transcript NM_001384474.1 (MANE Select); 5 bases into the intron after coding-DNA position 4212, G replaced by A.
Molecular consequence: intron variant.
Genome position (GRCh38, 1-based): chr18:46,534,330, C>T on the plus strand (G>A on the coding strand, the complement: LOXHD1 is on the minus strand). VCF-style: chr18-46534330-C-T. GRCh37 (hg19) VCF-style: chr18-44114293-C-T.
Other names: c.879+5G>A (NM_001145472.3); c.591+5G>A (NM_001308013.2); c.4212+5G>A (NM_144612.7).
Identifiers: ClinVar variation 982253 (VCV000982253.10), dbSNP rs752553552, ClinGen allele CA299803970.
Genomic context (GRCh38, chr18:46,534,330, plus strand): 5'-TTTGCCTTGAACCTGCTCTGGAAAGGGACAAAAGAAACAGCAGGACAGACCAGTCAACAA[C>T]TCACGTCTTTATCCGGGAGGAGCCTGCGGATGTCCACGTGAGAGCAGTGCCACCCAGGAT-3'